The following is an entry in ClinVar:

NM_001009944.3(PKD1):c.5896G>A (p.Val1966Met)

Gene: PKD1 (polycystin 1, transient receptor potential channel interacting; minus strand). Cytogenetic location: 16p13.3.
Variant type: single nucleotide variant.
Coding change: c.5896G>A on transcript NM_001009944.3 (MANE Select); coding-DNA position 5896, G replaced by A.
Protein change: p.Val1966Met; replaces valine 1966 with methionine.
Molecular consequence: missense variant.
Genome position (GRCh38, 1-based): chr16:2,109,271, C>T on the plus strand (G>A on the coding strand, the complement: PKD1 is on the minus strand). VCF-style: chr16-2109271-C-T. GRCh37 (hg19) VCF-style: chr16-2159272-C-T.
Other names: c.5896G>A, p.Val1966Met (NM_000296.4); short protein forms V1966M.
Identifiers: ClinVar variation 1197967 (VCV001197967.2), dbSNP rs779086418, ClinGen allele CA7831806.

ClinVar aggregate classification (germline): Uncertain significance (1 of 4 stars; one submission).

gnomAD v4.1: 191 of 1,583,612 alleles (0.012%); highest among the groups gnomAD compares: Non-Finnish European, 0.015%; no homozygotes.

Submission:

GeneDx
Classification: Uncertain significance. Last evaluated: 2020-12-23. Review status: criteria provided, single submitter. Criteria: GeneDx Variant Classification Process June 2021. Collection method: clinical testing. Allele origin: germline. Affected: yes.
Comment: In silico analysis supports that this missense variant does not alter protein structure/function; Has not been previously published as pathogenic or benign to our knowledge